The following is an entry in ClinVar:

NM_015215.4(CAMTA1):c.4287C>A (p.Asp1429Glu)

Gene: CAMTA1 (calmodulin binding transcription activator 1; plus strand). Cytogenetic location: 1p36.23.
Variant type: single nucleotide variant.
Coding change: c.4287C>A on transcript NM_015215.4 (MANE Select); coding-DNA position 4287, C replaced by A.
Protein change: p.Asp1429Glu; replaces aspartic acid 1429 with glutamic acid.
Molecular consequence: missense variant.
Genome position (GRCh38, 1-based): chr1:7,744,939, C>A. VCF-style: chr1-7744939-C-A. GRCh37 (hg19) VCF-style: chr1-7804999-C-A.
Other names: c.4197C>A, p.Asp1399Glu (NM_001349608.2); c.3948C>A, p.Asp1316Glu (NM_001349609.2, NM_001349610.2, NM_001410737.1); c.3858C>A, p.Asp1286Glu (NM_001349612.2); c.1416C>A, p.Asp472Glu (NM_001349613.1); c.1359C>A, p.Asp453Glu (NM_001349614.1, NM_001349615.2, NM_001349616.2 and 2 more transcripts); c.1020C>A, p.Asp340Glu (NM_001349619.2, NM_001349620.1, NM_001349621.1 and 5 more transcripts); c.3876C>A, p.Asp1292Glu (NM_001410738.1); c.4287C>A (NM_015215.2, NM_015215.3); short protein forms D1292E, D1399E, D340E, D1316E, D453E, D1286E, D1429E, D472E.
Identifiers: ClinVar variation 2178180 (VCV002178180.8), dbSNP rs548993505, ClinGen allele CA567115.

ClinVar aggregate classification (germline): Likely benign. Review status: criteria provided, multiple submitters, no conflicts (2 of 4 stars). 4 submissions from 4 submitters: Likely benign (3). 1 of the submissions does not count toward it. Last evaluated 2026-01-08.

Conditions:
Inborn genetic diseases. Identifiers: MedGen C0950123, MeSH D030342.
CAMTA1-related disorder. Also called: CAMTA1-related condition.

Allele frequency attached by ClinVar (database versions not stated): gnomAD exomes 0.00003; gnomAD 0.00005; TOPMed 0.00011; ExAC 0.00012; 1000 Genomes Project 30x 0.00031; 1000 Genomes Project 0.00040.
gnomAD v4.1: 58 of 1,614,116 alleles (0.0036%); highest among the groups gnomAD compares: East Asian, 0.069%; no homozygotes.

Submissions (4):

Labcorp Genetics (formerly Invitae), Labcorp
Classification: Likely benign. Last evaluated: 2026-01-08. Review status: criteria provided, single submitter. Criteria: Invitae Variant Classification Sherloc (09022015). Collection method: clinical testing. Allele origin: germline.

Ambry Genetics
Classification: Likely benign for Inborn genetic diseases. Last evaluated: 2025-09-25. Review status: criteria provided, single submitter. Criteria: Ambry Variant Classification Scheme 2023. Collection method: clinical testing. Allele origin: germline.

Blueprint Genetics
Classification: Likely benign. Last evaluated: 2024-11-14. Review status: criteria provided, single submitter. Criteria: ACMG Guidelines, 2015. Collection method: clinical testing. Allele origin: germline.

PreventionGenetics, part of Exact Sciences
Classification: Likely benign for CAMTA1-related condition. Last evaluated: 2022-04-27. Review status: no assertion criteria provided. Collection method: clinical testing. Allele origin: germline. Not counted in ClinVar's aggregate classification.
Comment: This variant is classified as likely benign based on ACMG/AMP sequence variant interpretation guidelines (Richards et al. 2015 PMID: 25741868, with internal and published modifications).